The following is an entry in ClinVar:

ClinVar aggregate classification (germline): Likely benign (0 of 4 stars; one submission).

Conditions:
NECTIN2-related disorder. Also called: NECTIN2-related condition.

Allele frequency attached by ClinVar (database versions not stated): ESP Exome Variant Server 0.00008; gnomAD 0.00019; gnomAD exomes 0.00028.
gnomAD v4.1: 454 of 1,614,100 alleles (0.028%); highest among the groups gnomAD compares: Middle Eastern, 0.56%; 2 homozygotes.

Submission:

PreventionGenetics, part of Exact Sciences
Classification: Likely benign for NECTIN2-related condition. Last evaluated: 2019-05-02. Review status: no assertion criteria provided. Collection method: clinical testing. Allele origin: germline.
Comment: This variant is classified as likely benign based on ACMG/AMP sequence variant interpretation guidelines (Richards et al. 2015 PMID: 25741868, with internal and published modifications).

NM_001042724.2(NECTIN2):c.159G>A (p.Pro53=)

Gene: NECTIN2 (nectin cell adhesion molecule 2; plus strand). Cytogenetic location: 19q13.32.
Variant type: single nucleotide variant.
Coding change: c.159G>A on transcript NM_001042724.2 (MANE Select); coding-DNA position 159, G replaced by A.
Protein change: p.Pro53=; no amino-acid change (proline 53 retained).
Molecular consequence: synonymous variant.
Genome position (GRCh38, 1-based): chr19:44,865,341, G>A. VCF-style: chr19-44865341-G-A. GRCh37 (hg19) VCF-style: chr19-45368598-G-A.
Other names: c.159G>A, p.Pro53= (NM_002856.3).
Identifiers: ClinVar variation 3044075 (VCV003044075.2), dbSNP rs113179384, ClinGen allele CA9505052.